The following is an entry in ClinVar:

ClinVar aggregate classification (germline): Uncertain significance (1 of 4 stars; one submission).

Submission:

Labcorp Genetics (formerly Invitae), Labcorp
Classification: Uncertain significance. Last evaluated: 2024-04-10. Review status: criteria provided, single submitter. Criteria: Invitae Variant Classification Sherloc (09022015). Collection method: clinical testing. Allele origin: germline.
Comment: This sequence change replaces serine, which is neutral and polar, with threonine, which is neutral and polar, at codon 1477 of the ITPR1 protein (p.Ser1477Thr). This variant is not present in population databases (gnomAD no frequency). This variant has not been reported in the literature in individuals affected with ITPR1-related conditions. ClinVar contains an entry for this variant (Variation ID: 2119149). Advanced modeling of protein sequence and biophysical properties (such as structural, functional, and spatial information, amino acid conservation, physicochemical variation, residue mobility, and thermodynamic stability) performed at Invitae indicates that this missense variant is not expected to disrupt ITPR1 protein function with a negative predictive value of 95%. In summary, the available evidence is currently insufficient to determine the role of this variant in disease. Therefore, it has been classified as a Variant of Uncertain Significance.

NM_001378452.1(ITPR1):c.4502G>C (p.Ser1501Thr)

Gene: ITPR1 (inositol 1,4,5-trisphosphate receptor type 1; plus strand). Cytogenetic location: 3p26.1.
Variant type: single nucleotide variant.
Coding change: c.4502G>C on transcript NM_001378452.1 (MANE Select); coding-DNA position 4502, G replaced by C.
Protein change: p.Ser1501Thr; replaces serine 1501 with threonine.
Molecular consequence: missense variant.
Genome position (GRCh38, 1-based): chr3:4,699,907, G>C. VCF-style: chr3-4699907-G-C. GRCh37 (hg19) VCF-style: chr3-4741591-G-C.
Other names: c.4475G>C, p.Ser1492Thr (NM_001099952.4); c.4457G>C, p.Ser1486Thr (NM_001168272.2); c.4430G>C, p.Ser1477Thr (NM_002222.7); short protein forms S1477T, S1486T, S1492T, S1501T.
Identifiers: ClinVar variation 2119149 (VCV002119149.4), dbSNP rs373200660, ClinGen allele CA351633269.
Genomic context (GRCh38, chr3:4,699,907, plus strand): 5'-ACTCGATTTTGGAGAAGTATGTCACCGAAATCGTCATGAGTATTGTTACTACTTTCTTCA[G>C]CTCTCCCTTCTCAGACCAGAGTACGACTTTGCAGGTAAGAAATAACCAACGTCAAGCAGA-3'
Protein context (NP_001365381.1, residues 1491-1511): IVMSIVTTFF[Ser1501Thr]SPFSDQSTTL